The following is an entry in ClinVar:

ClinVar aggregate classification (germline): not provided (0 of 4 stars; one submission).

Submission:

ITMI
No classification provided. Condition: AllHighlyPenetrant. Last evaluated: 2013-09-19. Review status: no classification provided. Collection method: reference population. Allele origin: germline.
Comment: Please see associated publication for description of ethnicities

Literature cited by the submitters: PubMed 24728327.

NM_003482.4(KMT2D):c.15011A>T (p.Glu5004Val)

Gene: KMT2D (lysine methyltransferase 2D; minus strand). Cytogenetic location: 12q13.12.
Variant type: single nucleotide variant.
Coding change: c.15011A>T on transcript NM_003482.4 (MANE Select); coding-DNA position 15011, A replaced by T.
Protein change: p.Glu5004Val; replaces glutamic acid 5004 with valine.
Molecular consequence: missense variant.
Genome position (GRCh38, 1-based): chr12:49,026,955, T>A on the plus strand (A>T on the coding strand, the complement: KMT2D is on the minus strand). VCF-style: chr12-49026955-T-A. GRCh37 (hg19) VCF-style: chr12-49420738-T-A.
Other names: short protein forms E5004V.
Identifiers: ClinVar variation 134727 (VCV000134727.1), dbSNP rs587778484, ClinGen allele CA160625.